The following is an entry in ClinVar:

ClinVar aggregate classification (germline): Likely pathogenic (1 of 4 stars; one submission).

Submission:

GeneDx
Classification: Likely pathogenic. Last evaluated: 2019-04-16. Review status: criteria provided, single submitter. Criteria: GeneDx Variant Classification Process June 2021. Collection method: clinical testing. Allele origin: germline. Affected: yes.
Comment: Not observed in large population cohorts (Lek et al., 2016); Has not been previously published as pathogenic or benign to our knowledge

NM_001134831.2(AHI1):c.1205C>T (p.Pro402Leu)

Gene: AHI1 (Abelson helper integration site 1; minus strand). Cytogenetic location: 6q23.3.
Variant type: single nucleotide variant.
Coding change: c.1205C>T on transcript NM_001134831.2 (MANE Select); coding-DNA position 1205, C replaced by T.
Protein change: p.Pro402Leu; replaces proline 402 with leucine.
Molecular consequence: missense variant.
Genome position (GRCh38, 1-based): chr6:135,455,873, G>A on the plus strand (C>T on the coding strand, the complement: AHI1 is on the minus strand). VCF-style: chr6-135455873-G-A. GRCh37 (hg19) VCF-style: chr6-135777011-G-A.
Other names: c.1205C>T, p.Pro402Leu (NM_001134830.2, NM_001134832.2, NM_001350503.2 and 2 more transcripts); short protein forms P402L.
Identifiers: ClinVar variation 393223 (VCV000393223.4), dbSNP rs1057524842, ClinGen allele CA16605460.
Genomic context (GRCh38, chr6:135,455,873, plus strand): 5'-TCTTCCCACTCTGGAAGTCTTGATTTTAACTGTTTAAAATCATATGGCTGGGTCATAATA[G>A]GAAGAATATAATCCACATTCTCTTTTTCATAGTAAGATGAAACAGGCCGTCCACTGTACA-3'
Protein context (NP_001128303.1, residues 392-412): YEKENVDYIL[Pro402Leu]IMTQPYDFKQ